The following is an entry in ClinVar:

NM_013275.6(ANKRD11):c.4604A>G (p.Lys1535Arg)

Gene: ANKRD11 (ankyrin repeat domain 11; minus strand). Cytogenetic location: 16q24.3.
Variant type: single nucleotide variant.
Coding change: c.4604A>G on transcript NM_013275.6 (MANE Select); coding-DNA position 4604, A replaced by G.
Protein change: p.Lys1535Arg; replaces lysine 1535 with arginine.
Molecular consequence: missense variant.
Genome position (GRCh38, 1-based): chr16:89,281,938, T>C on the plus strand (A>G on the coding strand, the complement: ANKRD11 is on the minus strand). VCF-style: chr16-89281938-T-C. GRCh37 (hg19) VCF-style: chr16-89348346-T-C.
Other names: c.4604A>G, p.Lys1535Arg (NM_001256182.2, NM_001256183.2); short protein forms K1535R.
Identifiers: ClinVar variation 1418458 (VCV001418458.6), dbSNP rs954153167, ClinGen allele CA286515594.
Genomic context (GRCh38, chr16:89,281,938, plus strand): 5'-ACCTTATCATTCCCGTTGCTCATCTTCACTGGGTCGCCCTTTTCTTTCTCTGCACCGTCC[T>C]TGAATTTCTCCTTCAGTTTGGCATCGCCGAGCCTCGGGCCCTCGTCCCTGGACTTGTCTT-3'
Protein context (NP_037407.4, residues 1525-1545): LGDAKLKEKF[Lys1535Arg]DGAEKEKGDP

ClinVar aggregate classification (germline): Uncertain significance (1 of 4 stars; one submission).

Conditions:
KBG syndrome (KBGS). Also called: ANKRD11-Related KBG Syndrome. Identifiers: Orphanet 2332, MedGen C0220687, MONDO:0007846, OMIM 148050.

gnomAD v4.1: 1 of 1,613,032 alleles (0.000062%); highest among the groups gnomAD compares: African/African-American, 0.0013%; no homozygotes.

Submission:

Labcorp Genetics (formerly Invitae), Labcorp
Classification: Uncertain significance for KBG syndrome. Last evaluated: 2021-11-22. Review status: criteria provided, single submitter. Criteria: Invitae Variant Classification Sherloc (09022015). Collection method: clinical testing. Allele origin: germline.
Comment: In summary, the available evidence is currently insufficient to determine the role of this variant in disease. Therefore, it has been classified as a Variant of Uncertain Significance. Advanced modeling of protein sequence and biophysical properties (such as structural, functional, and spatial information, amino acid conservation, physicochemical variation, residue mobility, and thermodynamic stability) performed at Invitae indicates that this missense variant is not expected to disrupt ANKRD11 protein function. This variant has not been reported in the literature in individuals affected with ANKRD11-related conditions. This variant is not present in population databases (gnomAD no frequency). This sequence change replaces lysine, which is basic and polar, with arginine, which is basic and polar, at codon 1535 of the ANKRD11 protein (p.Lys1535Arg).